The following is an entry in ClinVar:

NM_000368.5(TSC1):c.1041G>A (p.Trp347Ter)

Gene: TSC1 (TSC complex subunit 1; minus strand). Cytogenetic location: 9q34.13.
Variant type: single nucleotide variant.
Coding change: c.1041G>A on transcript NM_000368.5 (MANE Select); coding-DNA position 1041, G replaced by A.
Protein change: p.Trp347Ter; replaces tryptophan 347 with a stop codon.
Molecular consequence: nonsense.
Genome position (GRCh38, 1-based): chr9:132,911,102, C>T on the plus strand (G>A on the coding strand, the complement: TSC1 is on the minus strand). VCF-style: chr9-132911102-C-T. GRCh37 (hg19) VCF-style: chr9-135786489-C-T.
Other names: c.1041G>A, p.Trp347Ter (NM_001162426.2); c.888G>A, p.Trp296Ter (NM_001162427.2); c.678G>A, p.Trp226Ter (NM_001362177.2); short protein forms W347*, W226*, W296*.
Identifiers: ClinVar variation 48735 (VCV000048735.44), dbSNP rs118203491, ClinGen allele CA004355.
Genomic context (GRCh38, chr9:132,911,102, plus strand): 5'-AGGTGGGACATTTCCAGGAGAAGTTGGAGGAGTGGTCATACCACAAACCATAGATGGGCT[C>T]CAAAGAGTAGCCTGGGAAGTTAATAAAGTACATCAGCAGTGGCAAAGGAATGCTAAGTCA-3'

ClinVar aggregate classification (germline): Pathogenic. Review status: criteria provided, multiple submitters, no conflicts (2 of 4 stars). 5 submissions from 5 submitters: Pathogenic (4). 1 of the submissions does not count toward it. Last evaluated 2024-08-12.

Conditions:
Hereditary cancer-predisposing syndrome. Also called: Hereditary Cancer Syndrome; Tumor predisposition; Neoplastic Syndromes, Hereditary; Hereditary neoplastic syndrome. Identifiers: Orphanet 140162, MedGen C0027672, MeSH D009386, MONDO:0015356.
Malignant tumor of urinary bladder. Also called: Bladder cancer; Urinary bladder cancer; Urinary Bladder Neoplasms. Identifiers: MedGen C0005684, MONDO:0001187, OMIM 109800.
Tuberous sclerosis 1 (TSC1). Identifiers: Orphanet 805, MedGen C1854465, MONDO:0008612, OMIM 191100.

Submissions (5):

Institute of Human Genetics, FAU Erlangen, Friedrich-Alexander-Universität Erlangen-Nürnberg
Classification: Pathogenic for Tuberous sclerosis 1. Last evaluated: 2024-08-12. Review status: criteria provided, single submitter. Criteria: Hauer et al. (Genet Med. 2018). Collection method: clinical testing. Allele origin: germline. Inheritance: Unknown mechanism. Affected: yes. Observed: 1 variant allele.
Comment: This variant has been identified by standard clinical testing. Selected ACMG criteria: Pathogenic (I):PP5;PM2;PVS1

Ambry Genetics
Classification: Pathogenic for Hereditary cancer-predisposing syndrome. Last evaluated: 2023-09-05. Review status: criteria provided, single submitter. Criteria: Ambry Variant Classification Scheme 2023. Collection method: clinical testing. Allele origin: germline.
Comment: The p.W347* pathogenic mutation (also known as c.1041G>A), located in coding exon 9 of the TSC1 gene, results from a G to A substitution at nucleotide position 1041. This changes the amino acid from a tryptophan to a stop codon within coding exon 9. This alteration was identified in 1 of 374 patients with clinically suspected TSC undergoing genetic testing within the TSC1 and TSC2 genes (Meng Y et al. J Hum Genet, 2021 Mar;66:227-236). This alteration has also been observed in at least one individual with a personal and/or family history that is consistent with TSC1-related disease (Ambry internal data). This variant is considered to be rare based on population cohorts in the Genome Aggregation Database (gnomAD). In addition to the clinical data presented in the literature, this alteration is expected to result in loss of function by premature protein truncation or nonsense-mediated mRNA decay. As such, this alteration is interpreted as a disease-causing mutation.

Labcorp Genetics (formerly Invitae), Labcorp
Classification: Pathogenic for Tuberous sclerosis 1. Last evaluated: 2022-11-01. Review status: criteria provided, single submitter. Criteria: Invitae Variant Classification Sherloc (09022015). Collection method: clinical testing. Allele origin: germline.
Comment: For these reasons, this variant has been classified as Pathogenic. ClinVar contains an entry for this variant (Variation ID: 48735). This variant has not been reported in the literature in individuals affected with TSC1-related conditions. This variant is not present in population databases (gnomAD no frequency). This sequence change creates a premature translational stop signal (p.Trp347*) in the TSC1 gene. It is expected to result in an absent or disrupted protein product. Loss-of-function variants in TSC1 are known to be pathogenic (PMID: 10227394, 17304050).

CeGaT Center for Human Genetics Tuebingen
Classification: Pathogenic. Last evaluated: 2021-03-01. Review status: criteria provided, single submitter. Criteria: CeGaT Center For Human Genetics Tuebingen Variant Classification Criteria Version 2. Collection method: clinical testing. Allele origin: germline. Affected: yes. Observed: 1 variant allele.

Tuberous sclerosis database (TSC1)
No classification provided. Condition: Bladder cancer. Review status: no classification provided. Criteria: Tuberous Sclerosis Database Assertion Criteria 2015. Collection method: curation. Allele origin: germline. Affected: yes. Not counted in ClinVar's aggregate classification.

Literature cited by the submitters: PubMed 32917966 (cited by Ambry Genetics); PubMed 10227394 (cited by Labcorp Genetics (formerly Invitae), Labcorp); PubMed 17304050 (cited by Labcorp Genetics (formerly Invitae), Labcorp).